The following is an entry in ClinVar:

ClinVar aggregate classification (germline): Uncertain significance. Review status: criteria provided, multiple submitters, no conflicts (2 of 4 stars). 2 submissions from 2 submitters: Uncertain significance (2). Last evaluated 2024-09-30.

Allele frequency attached by ClinVar (database versions not stated): ExAC 0.00001; gnomAD exomes 0.00001; TOPMed 0.00001.
gnomAD v4.1: 3 of 1,613,126 alleles (0.00019%); highest among the groups gnomAD compares: Non-Finnish European, 0.00025%; no homozygotes.

Submissions (2):

GeneDx
Classification: Uncertain significance. Last evaluated: 2024-09-30. Review status: criteria provided, single submitter. Criteria: GeneDx Variant Classification Process June 2021. Collection method: clinical testing. Allele origin: germline. Affected: yes.
Comment: Not observed at significant frequency in large population cohorts (gnomAD); In silico analysis supports a deleterious effect on splicing; Has not been previously published as pathogenic or benign to our knowledge

Labcorp Genetics (formerly Invitae), Labcorp
Classification: Uncertain significance. Last evaluated: 2023-11-14. Review status: criteria provided, single submitter. Criteria: Invitae Variant Classification Sherloc (09022015). Collection method: clinical testing. Allele origin: germline.
Comment: This sequence change falls in intron 17 of the ANKRD26 gene. It does not directly change the encoded amino acid sequence of the ANKRD26 protein. It affects a nucleotide within the consensus splice site. This variant is present in population databases (rs747223669, gnomAD 0.0009%). This variant has not been reported in the literature in individuals affected with ANKRD26-related conditions. ClinVar contains an entry for this variant (Variation ID: 2172811). Variants that disrupt the consensus splice site are a relatively common cause of aberrant splicing (PMID: 17576681, 9536098). Algorithms developed to predict the effect of sequence changes on RNA splicing suggest that this variant may disrupt the consensus splice site. In summary, the available evidence is currently insufficient to determine the role of this variant in disease. Therefore, it has been classified as a Variant of Uncertain Significance.

Literature cited by the submitters: PubMed 17576681 (cited by Labcorp Genetics (formerly Invitae), Labcorp); PubMed 9536098 (cited by Labcorp Genetics (formerly Invitae), Labcorp).

NM_014915.3(ANKRD26):c.1815-3A>G

Gene: ANKRD26 (ankyrin repeat domain 26; minus strand). Cytogenetic location: 10p12.1.
Variant type: single nucleotide variant.
Coding change: c.1815-3A>G on transcript NM_014915.3 (MANE Select); 3 bases into the intron before coding-DNA position 1815, A replaced by G.
Molecular consequence: intron variant.
Genome position (GRCh38, 1-based): chr10:27,046,526, T>C on the plus strand (A>G on the coding strand, the complement: ANKRD26 is on the minus strand). VCF-style: chr10-27046526-T-C. GRCh37 (hg19) VCF-style: chr10-27335455-T-C.
Other names: c.1815-6A>G (NM_001256053.2).
Identifiers: ClinVar variation 2172811 (VCV002172811.5), dbSNP rs747223669, ClinGen allele CA5448392.
Genomic context (GRCh38, chr10:27,046,526, plus strand): 5'-GGTCCGTTTTTCTTTTTCAGTGCTCTTTACTTCCTTCATTTGCAAGGCAGGACCACTACT[T>C]TAAAAAATCCATGGGAAATGACAGTTACATAAGAAAAAAGAAAAAAAGAAACAACATGCA-3'